The following is an entry in ClinVar:

NM_012208.4(HARS2):c.1484T>G (p.Phe495Cys)

Gene: HARS2 (histidyl-tRNA synthetase 2, mitochondrial; plus strand). Cytogenetic location: 5q31.3.
Variant type: single nucleotide variant.
Coding change: c.1484T>G on transcript NM_012208.4 (MANE Select); coding-DNA position 1484, T replaced by G.
Protein change: p.Phe495Cys; replaces phenylalanine 495 with cysteine.
Molecular consequence: missense variant.
Genome position (GRCh38, 1-based): chr5:140,698,515, T>G. VCF-style: chr5-140698515-T-G. GRCh37 (hg19) VCF-style: chr5-140078100-T-G.
Other names: c.1409T>G, p.Phe470Cys (NM_001278731.2); c.1052T>G, p.Phe351Cys (NM_001278732.2); c.1502T>G, p.Phe501Cys (NM_001363535.2); c.1274T>G, p.Phe425Cys (NM_001363536.2); short protein forms F351C, F425C, F470C, F495C, F501C.
Identifiers: ClinVar variation 1305014 (VCV001305014.3), dbSNP rs757715558, ClinGen allele CA3444737.

ClinVar aggregate classification (germline): Uncertain significance (1 of 4 stars; one submission).

Allele frequency attached by ClinVar (database versions not stated): ExAC 0.00001; gnomAD 0.00001; gnomAD exomes 0.00001 and 0.00002; TOPMed 0.00001.
gnomAD v4.1: 11 of 1,613,248 alleles (0.00068%); highest among the groups gnomAD compares: East Asian, 0.02%; no homozygotes.

Submission:

GeneDx
Classification: Uncertain significance. Last evaluated: 2022-10-03. Review status: criteria provided, single submitter. Criteria: GeneDx Variant Classification Process June 2021. Collection method: clinical testing. Allele origin: germline. Affected: yes.
Comment: In silico analysis supports that this missense variant does not alter protein structure/function; Has not been previously published as pathogenic or benign to our knowledge